The following is an entry in ClinVar:

ClinVar aggregate classification (germline): Uncertain significance (1 of 4 stars; one submission).

Conditions:
Cortical dysplasia-focal epilepsy syndrome (PTHSL1). Also called: Pitt-Hopkins-like syndrome 1. Identifiers: Orphanet 163681, Orphanet 221150, MedGen C2750246, MONDO:0012400, OMIM 610042.

Submission:

Labcorp Genetics (formerly Invitae), Labcorp
Classification: Uncertain significance for Cortical dysplasia-focal epilepsy syndrome. Last evaluated: 2020-08-10. Review status: criteria provided, single submitter. Criteria: Invitae Variant Classification Sherloc (09022015). Collection method: clinical testing. Allele origin: germline.
Comment: This sequence change replaces serine with leucine at codon 508 of the CNTNAP2 protein (p.Ser508Leu). The serine residue is weakly conserved and there is a large physicochemical difference between serine and leucine. This variant is not present in population databases (ExAC no frequency). This variant has not been reported in the literature in individuals with CNTNAP2-related conditions. Algorithms developed to predict the effect of missense changes on protein structure and function (SIFT, PolyPhen-2, Align-GVGD) all suggest that this variant is likely to be tolerated, but these predictions have not been confirmed by published functional studies and their clinical significance is uncertain. In summary, the available evidence is currently insufficient to determine the role of this variant in disease. Therefore, it has been classified as a Variant of Uncertain Significance.

NM_014141.6(CNTNAP2):c.1523C>T (p.Ser508Leu)

Gene: CNTNAP2 (contactin associated protein 2; plus strand). Cytogenetic location: 7q35.
Variant type: single nucleotide variant.
Coding change: c.1523C>T on transcript NM_014141.6 (MANE Select); coding-DNA position 1523, C replaced by T.
Protein change: p.Ser508Leu; replaces serine 508 with leucine.
Molecular consequence: missense variant.
Genome position (GRCh38, 1-based): chr7:147,395,633, C>T. VCF-style: chr7-147395633-C-T. GRCh37 (hg19) VCF-style: chr7-147092725-C-T.
Other names: short protein forms S508L.
Identifiers: ClinVar variation 1021815 (VCV001021815.9), dbSNP rs1796800102, ClinGen allele CA369925436.